The following is an entry in ClinVar:

ClinVar aggregate classification (germline): Uncertain significance (1 of 4 stars; one submission).

Conditions:
EHHADH-related disorder. Also called: EHHADH-related condition.

gnomAD v4.1: 2 of 1,614,144 alleles (0.00012%); highest among the groups gnomAD compares: East Asian, 0.0022%; no homozygotes.

Submission:

PreventionGenetics, part of Exact Sciences
Classification: Uncertain significance for EHHADH-related condition. Last evaluated: 2025-01-02. Review status: criteria provided, single submitter. Criteria: ACMG Guidelines, 2015. Collection method: clinical testing. Allele origin: germline.
Comment: The EHHADH c.1022C>T variant is predicted to result in the amino acid substitution p.Thr341Ile. To our knowledge, this variant has not been reported in the literature. This variant is reported in 0.0054% of alleles in individuals of East Asian descent in gnomAD. At this time, the clinical significance of this variant is uncertain due to the absence of conclusive functional and genetic evidence.

NM_001966.4(EHHADH):c.1022C>T (p.Thr341Ile)

Gene: EHHADH (enoyl-CoA hydratase and 3-hydroxyacyl CoA dehydrogenase; minus strand). Cytogenetic location: 3q27.2.
Variant type: single nucleotide variant.
Coding change: c.1022C>T on transcript NM_001966.4 (MANE Select); coding-DNA position 1022, C replaced by T.
Protein change: p.Thr341Ile; replaces threonine 341 with isoleucine.
Molecular consequence: missense variant.
Genome position (GRCh38, 1-based): chr3:185,193,376, G>A on the plus strand (C>T on the coding strand, the complement: EHHADH is on the minus strand). VCF-style: chr3-185193376-G-A. GRCh37 (hg19) VCF-style: chr3-184911164-G-A.
Other names: c.734C>T, p.Thr245Ile (NM_001166415.2); short protein forms T245I, T341I.
Identifiers: ClinVar variation 5001801 (VCV005001801.1).